The following is an entry in ClinVar:

NM_020631.6(PLEKHG5):c.-88+6208C>T

Gene: PLEKHG5 (pleckstrin homology and RhoGEF domain containing G5; minus strand). Cytogenetic location: 1p36.31.
Variant type: single nucleotide variant.
Coding change: c.-88+6208C>T on transcript NM_020631.6 (MANE Select); 6208 bases into the intron after 88 bases upstream of the start codon, C replaced by T.
Molecular consequence: intron variant. On other transcripts: synonymous variant (1).
Genome position (GRCh38, 1-based): chr1:6,485,429, G>A on the plus strand (C>T on the coding strand, the complement: PLEKHG5 is on the minus strand). VCF-style: chr1-6485429-G-A. GRCh37 (hg19) VCF-style: chr1-6545489-G-A.
Other names: c.15C>T, p.Pro5= (NM_001265593.2); c.-87-7771C>T (NM_198681.4); c.25-7771C>T (NM_001042663.3, NM_001265592.2); c.-88+5016C>T (NM_001265594.3, NM_001042664.2); c.-88+407C>T (NM_001042665.2); c.15C>T (NM_001265593.1).
Identifiers: ClinVar variation 2428557 (VCV002428557.6), dbSNP rs1048062029, ClinGen allele CA17252042.

ClinVar aggregate classification (germline): Likely benign. Review status: criteria provided, single submitter (1 of 4 stars). 2 submissions from 2 submitters: Likely benign (1). 1 of the submissions does not count toward it. Last evaluated 2022-04-07.

Conditions:
PLEKHG5-related disorder. Also called: PLEKHG5-related condition.

Allele frequency attached by ClinVar (database versions not stated): gnomAD 0.00008; TOPMed 0.00010; gnomAD exomes 0.00024.
gnomAD v4.1: 282 of 1,322,926 alleles (0.021%); highest among the groups gnomAD compares: Non-Finnish European, 0.027%; 1 homozygote.

Submissions (2):

ARUP Laboratories, Molecular Genetics and Genomics, ARUP Laboratories
Classification: Likely benign. Last evaluated: 2022-04-07. Review status: criteria provided, single submitter. Criteria: ARUP Molecular Germline Variant Investigation Process 2021. Collection method: clinical testing. Allele origin: germline.

PreventionGenetics, part of Exact Sciences
Classification: Likely benign for PLEKHG5-related condition. Last evaluated: 2022-04-15. Review status: no assertion criteria provided. Collection method: clinical testing. Allele origin: germline. Not counted in ClinVar's aggregate classification.
Comment: This variant is classified as likely benign based on ACMG/AMP sequence variant interpretation guidelines (Richards et al. 2015 PMID: 25741868, with internal and published modifications).